The following is an entry in ClinVar:

ClinVar aggregate classification (germline): Uncertain significance. Review status: criteria provided, multiple submitters, no conflicts (2 of 4 stars). 4 submissions from 4 submitters: Uncertain significance (3). 1 of the submissions does not count toward it. Last evaluated 2024-02-07.

Conditions:
Ataxia-telangiectasia syndrome (AT). Also called: Ataxia-telangiectasia, complementation group D; AT, COMPLEMENTATION GROUP C; ATAXIA-TELANGIECTASIA, COMPLEMENTATION GROUP A; ATAXIA-TELANGIECTASIA, FRESNO VARIANT; Ataxia-telangiectasia; Cerebello-oculocutaneous telangiectasia. Identifiers: Orphanet 100, MedGen C0004135, MONDO:0008840, OMIM 208900.
Familial cancer of breast. Also called: hereditary breast carcinoma; BREAST CANCER, FAMILIAL; Hereditary breast cancer. Identifiers: Orphanet 227535, MedGen C0346153, MONDO:0016419, OMIM 114480. Disease mechanism: loss of function.

Allele frequency attached by ClinVar (database versions not stated): gnomAD exomes below 0.00001.
gnomAD v4.1: 2 of 1,613,892 alleles (0.00012%); highest among the groups gnomAD compares: Middle Eastern, 0.017%; no homozygotes.

Submissions (4):

Fulgent Genetics
Classification: Uncertain significance for Familial cancer of breast; Ataxia-telangiectasia syndrome. Last evaluated: 2024-02-07. Review status: criteria provided, single submitter. Criteria: ACMG Guidelines, 2015. Collection method: clinical testing. Allele origin: germline.

Labcorp Genetics (formerly Invitae), Labcorp
Classification: Uncertain significance for Ataxia-telangiectasia syndrome. Last evaluated: 2023-01-28. Review status: criteria provided, single submitter. Criteria: Invitae Variant Classification Sherloc (09022015). Collection method: clinical testing. Allele origin: germline.
Comment: In summary, the available evidence is currently insufficient to determine the role of this variant in disease. Therefore, it has been classified as a Variant of Uncertain Significance. Algorithms developed to predict the effect of missense changes on protein structure and function (SIFT, PolyPhen-2, Align-GVGD) all suggest that this variant is likely to be tolerated. ClinVar contains an entry for this variant (Variation ID: 1007468). This variant has not been reported in the literature in individuals affected with ATM-related conditions. This variant is not present in population databases (gnomAD no frequency). This sequence change replaces glutamine, which is neutral and polar, with glutamic acid, which is acidic and polar, at codon 1171 of the ATM protein (p.Gln1171Glu).

GeneDx
Classification: Uncertain significance. Last evaluated: 2021-08-11. Review status: criteria provided, single submitter. Criteria: GeneDx Variant Classification Process June 2021. Collection method: clinical testing. Allele origin: germline. Affected: yes.
Comment: Not observed at significant frequency in large population cohorts (Lek 2016); In silico analysis, which includes protein predictors and evolutionary conservation, supports that this variant does not alter protein structure/function; Has not been previously published as pathogenic or benign to our knowledge; This variant is associated with the following publications: (PMID: 19781682)

Natera, Inc.
Classification: Uncertain significance for Ataxia-telangiectasia. Last evaluated: 2021-06-24. Review status: no assertion criteria provided. Collection method: clinical testing. Allele origin: germline. Not counted in ClinVar's aggregate classification.

NM_000051.4(ATM):c.3511C>G (p.Gln1171Glu)

Gene: ATM (ATM serine/threonine kinase; plus strand). Cytogenetic location: 11q22.3.
Variant type: single nucleotide variant.
Coding change: c.3511C>G on transcript NM_000051.4 (MANE Select); coding-DNA position 3511, C replaced by G.
Protein change: p.Gln1171Glu; replaces glutamine 1171 with glutamic acid.
Molecular consequence: missense variant.
Genome position (GRCh38, 1-based): chr11:108,281,103, C>G. VCF-style: chr11-108281103-C-G. GRCh37 (hg19) VCF-style: chr11-108151830-C-G.
Other names: c.3511C>G, p.Gln1171Glu (NM_001351834.2); short protein forms Q1171E.
Identifiers: ClinVar variation 1007468 (VCV001007468.13), dbSNP rs876659067, ClinGen allele CA382519927.